The following is an entry in ClinVar:

ClinVar aggregate classification (germline): Uncertain significance. Review status: criteria provided, multiple submitters, no conflicts (2 of 4 stars). 2 submissions from 2 submitters: Uncertain significance (2). Last evaluated 2025-05-17.

Conditions:
Familial cancer of breast. Also called: BREAST CANCER, FAMILIAL; Hereditary breast cancer; hereditary breast carcinoma. Identifiers: Orphanet 227535, MedGen C0346153, MONDO:0016419, OMIM 114480. Disease mechanism: loss of function.
Hereditary cancer-predisposing syndrome. Also called: Neoplastic Syndromes, Hereditary; Tumor predisposition; Hereditary Cancer Syndrome; Hereditary neoplastic syndrome. Identifiers: Orphanet 140162, MedGen C0027672, MeSH D009386, MONDO:0015356.

Allele frequency attached by ClinVar (database versions not stated): gnomAD exomes below 0.00001.
gnomAD v4.1: 1 of 1,613,828 alleles (0.000062%); highest among the groups gnomAD compares: Non-Finnish European, 0.000085%; no homozygotes.

Submissions (2):

Ambry Genetics
Classification: Uncertain significance for Hereditary cancer-predisposing syndrome. Last evaluated: 2025-05-17. Review status: criteria provided, single submitter. Criteria: Ambry Variant Classification Scheme 2023. Collection method: clinical testing. Allele origin: germline.
Comment: The p.G611D variant (also known as c.1832G>A), located in coding exon 9 of the BARD1 gene, results from a G to A substitution at nucleotide position 1832. The glycine at codon 611 is replaced by aspartic acid, an amino acid with similar properties. This amino acid position is not well conserved in available vertebrate species. In addition, this alteration is predicted to be tolerated by in silico analysis. Since supporting evidence is limited at this time, the clinical significance of this alteration remains unclear.

Labcorp Genetics (formerly Invitae), Labcorp
Classification: Uncertain significance for Familial cancer of breast. Last evaluated: 2024-07-24. Review status: criteria provided, single submitter. Criteria: Invitae Variant Classification Sherloc (09022015). Collection method: clinical testing. Allele origin: germline.
Comment: This sequence change replaces glycine, which is neutral and non-polar, with aspartic acid, which is acidic and polar, at codon 611 of the BARD1 protein (p.Gly611Asp). This variant is not present in population databases (gnomAD no frequency). This variant has not been reported in the literature in individuals affected with BARD1-related conditions. ClinVar contains an entry for this variant (Variation ID: 820146). An algorithm developed to predict the effect of missense changes on protein structure and function outputs the following: PolyPhen-2: "Benign". The aspartic acid amino acid residue is found in multiple mammalian species, which suggests that this missense change does not adversely affect protein function. In summary, the available evidence is currently insufficient to determine the role of this variant in disease. Therefore, it has been classified as a Variant of Uncertain Significance.

NM_000465.4(BARD1):c.1832G>A (p.Gly611Asp)

Gene: BARD1 (BRCA1 associated RING domain 1; minus strand). Cytogenetic location: 2q35.
Variant type: single nucleotide variant.
Coding change: c.1832G>A on transcript NM_000465.4 (MANE Select); coding-DNA position 1832, G replaced by A.
Protein change: p.Gly611Asp; replaces glycine 611 with aspartic acid.
Molecular consequence: missense variant. On other transcripts: non-coding transcript variant (3), intron variant (1).
Genome position (GRCh38, 1-based): chr2:214,745,138, C>T on the plus strand (G>A on the coding strand, the complement: BARD1 is on the minus strand). VCF-style: chr2-214745138-C-T. GRCh37 (hg19) VCF-style: chr2-215609862-C-T.
Other names: c.1775G>A, p.Gly592Asp (NM_001282543.2); c.479G>A, p.Gly160Asp (NM_001282545.2); c.422G>A, p.Gly141Asp (NM_001282548.2); c.365-14630G>A (NM_001282549.2); short protein forms G160D, G592D, G611D, G141D.
Identifiers: ClinVar variation 820146 (VCV000820146.10), dbSNP rs1574737448, ClinGen allele CA350452282.
Genomic context (GRCh38, chr2:214,745,138, plus strand): 5'-AGAATCCAGCATCCATTGAGAATCCCAAGCATACACTTCAAGGTACTTTGAACTGCATCA[C>T]CAGGAACAACAACATGAGTTACTAAAATACAAAAAAAGCAGTAAGAGAAAGAAAGATACA-3'
Protein context (NP_000456.2, residues 601-621): DSTVTHVVVP[Gly611Asp]DAVQSTLKCM